The following is an entry in ClinVar:

NM_001371623.1(TCOF1):c.1189G>A (p.Ala397Thr)

Gene: TCOF1 (treacle ribosome biogenesis factor 1; plus strand). Cytogenetic location: 5q32.
Variant type: single nucleotide variant.
Coding change: c.1189G>A on transcript NM_001371623.1 (MANE Select); coding-DNA position 1189, G replaced by A.
Protein change: p.Ala397Thr; replaces alanine 397 with threonine.
Molecular consequence: missense variant.
Genome position (GRCh38, 1-based): chr5:150,374,722, G>A. VCF-style: chr5-150374722-G-A. GRCh37 (hg19) VCF-style: chr5-149754285-G-A.
Other names: c.958G>A, p.Ala320Thr (NM_000356.4, NM_001135245.2); c.1189G>A, p.Ala397Thr (NM_001008657.3, NM_001135243.2, NM_001135244.2 and 1 more transcripts); short protein forms A320T, A397T.
Identifiers: ClinVar variation 2136251 (VCV002136251.1), dbSNP rs1286163023, ClinGen allele CA361744313.
Genomic context (GRCh38, chr5:150,374,722, plus strand): 5'-CCTGCCAAGGAGTCCCCCAGGAAAGGAGCTGCCCCAGCGCCCCCTGGGAAGACAGGGCCT[G>A]CAGTTGCCAAGGCCCAGGCGGGGAAGCGGGAGGAGGACTCGCAGAGCAGCAGCGAGGAAT-3'
Protein context (NP_001358552.1, residues 387-407): APAPPGKTGP[Ala397Thr]VAKAQAGKRE

ClinVar aggregate classification (germline): Uncertain significance (1 of 4 stars; one submission).

Allele frequency attached by ClinVar (database versions not stated): gnomAD exomes below 0.00001.
gnomAD v4.1: 3 of 1,613,384 alleles (0.00019%); highest among the groups gnomAD compares: African/African-American, 0.0027%; no homozygotes.

Submission:

GeneDx
Classification: Uncertain significance. Last evaluated: 2022-07-18. Review status: criteria provided, single submitter. Criteria: GeneDx Variant Classification Process June 2021. Collection method: clinical testing. Allele origin: germline. Affected: yes.
Comment: In silico analysis supports that this missense variant does not alter protein structure/function; Has not been previously published as pathogenic or benign to our knowledge